The following is an entry in ClinVar:

NM_005359.6(SMAD4):c.560G>A (p.Ser187Asn)

Gene: SMAD4 (SMAD family member 4; plus strand). Cytogenetic location: 18q21.2.
Variant type: single nucleotide variant.
Coding change: c.560G>A on transcript NM_005359.6 (MANE Select); coding-DNA position 560, G replaced by A.
Protein change: p.Ser187Asn; replaces serine 187 with asparagine.
Molecular consequence: missense variant.
Genome position (GRCh38, 1-based): chr18:51,054,886, G>A. VCF-style: chr18-51054886-G-A. GRCh37 (hg19) VCF-style: chr18-48581256-G-A.
Other names: short protein forms S187N.
Identifiers: ClinVar variation 405486 (VCV000405486.20), dbSNP rs927620013, ClinGen allele CA16615793.

ClinVar aggregate classification (germline): Uncertain significance. Review status: criteria provided, multiple submitters, no conflicts (2 of 4 stars). 4 submissions from 4 submitters: Uncertain significance (4). Last evaluated 2024-11-26.

Conditions:
Hereditary cancer-predisposing syndrome. Also called: Neoplastic Syndromes, Hereditary; Hereditary Cancer Syndrome; Hereditary neoplastic syndrome; Tumor predisposition. Identifiers: Orphanet 140162, MedGen C0027672, MeSH D009386, MONDO:0015356.
Familial thoracic aortic aneurysm and aortic dissection (TAAD). Also called: Thoracic aortic aneurysms and dissections. Identifiers: Orphanet 91387, MedGen C4707243, MONDO:0019625.
Juvenile polyposis syndrome (JPS). Identifiers: Orphanet 2929, MedGen C0345893, MONDO:0017380, OMIM 174900.
Juvenile polyposis/hereditary hemorrhagic telangiectasia syndrome (JPHT). Also called: POLYPOSIS, GENERALIZED JUVENILE, WITH PULMONARY ARTERIOVENOUS MALFORMATION; TELANGIECTASIA, HEREDITARY HEMORRHAGIC, WITH JUVENILE POLYPOSIS COLI; Juvenile Polyposis Syndrome / Hereditary Hemorrhagic Telangiectasia (JPS/HHT); JP/HHT SYNDROME; JUVENILE POLYPOSIS WITH HEREDITARY HEMORRHAGIC TELANGIECTASIA. Identifiers: Orphanet 2929, MedGen C1832942, MONDO:0008278, OMIM 175050.

Allele frequency attached by ClinVar (database versions not stated): gnomAD exomes below 0.00001.
gnomAD v4.1: 1 of 1,614,134 alleles (0.000062%); highest among the groups gnomAD compares: Non-Finnish European, 0.000085%; no homozygotes.

Submissions (4):

Ambry Genetics
Classification: Uncertain significance for Hereditary cancer-predisposing syndrome; Familial thoracic aortic aneurysm and aortic dissection. Last evaluated: 2024-11-26. Review status: criteria provided, single submitter. Criteria: Ambry Variant Classification Scheme 2023. Collection method: clinical testing. Allele origin: germline.
Comment: The p.S187N variant (also known as c.560G>A), located in coding exon 4 of the SMAD4 gene, results from a G to A substitution at nucleotide position 560. The serine at codon 187 is replaced by asparagine, an amino acid with highly similar properties. This amino acid position is well conserved in available vertebrate species. In addition, the in silico prediction for this alteration is inconclusive. Based on the available evidence, the clinical significance of this variant remains unclear.

Color Diagnostics, LLC DBA Color Health
Classification: Uncertain significance for Hereditary cancer-predisposing syndrome. Last evaluated: 2024-03-06. Review status: criteria provided, single submitter. Criteria: ACMG Guidelines, 2015. Collection method: clinical testing. Allele origin: germline.
Comment: This missense variant replaces serine with asparagine at codon 187 of the SMAD4 protein. Computational prediction suggests that this variant may not impact protein structure and function (internally defined REVEL score threshold <= 0.5, PMID: 27666373). To our knowledge, functional studies have not been reported for this variant. This variant has not been reported in individuals affected with SMAD4-related disorders in the literature. This variant has not been identified in the general population by the Genome Aggregation Database (gnomAD). The available evidence is insufficient to determine the role of this variant in disease conclusively. Therefore, this variant is classified as a Variant of Uncertain Significance.

Baylor Genetics
Classification: Uncertain significance for Juvenile polyposis/hereditary hemorrhagic telangiectasia syndrome. Last evaluated: 2023-06-09. Review status: criteria provided, single submitter. Criteria: ACMG Guidelines, 2015. Collection method: clinical testing. Allele origin: unknown.

Labcorp Genetics (formerly Invitae), Labcorp
Classification: Uncertain significance for Juvenile polyposis syndrome. Last evaluated: 2023-01-06. Review status: criteria provided, single submitter. Criteria: Invitae Variant Classification Sherloc (09022015). Collection method: clinical testing. Allele origin: germline.
Comment: This variant is not present in population databases (gnomAD no frequency). This variant has not been reported in the literature in individuals affected with SMAD4-related conditions. ClinVar contains an entry for this variant (Variation ID: 405486). Advanced modeling of protein sequence and biophysical properties (such as structural, functional, and spatial information, amino acid conservation, physicochemical variation, residue mobility, and thermodynamic stability) performed at Invitae indicates that this missense variant is not expected to disrupt SMAD4 protein function. In summary, the available evidence is currently insufficient to determine the role of this variant in disease. Therefore, it has been classified as a Variant of Uncertain Significance. This sequence change replaces serine, which is neutral and polar, with asparagine, which is neutral and polar, at codon 187 of the SMAD4 protein (p.Ser187Asn).